The following is an entry in ClinVar:

NM_000051.4(ATM):c.5223A>T (p.Leu1741Phe)

Gene: ATM (ATM serine/threonine kinase; plus strand). Cytogenetic location: 11q22.3.
Variant type: single nucleotide variant.
Coding change: c.5223A>T on transcript NM_000051.4 (MANE Select); coding-DNA position 5223, A replaced by T.
Protein change: p.Leu1741Phe; replaces leucine 1741 with phenylalanine.
Molecular consequence: missense variant.
Genome position (GRCh38, 1-based): chr11:108,301,693, A>T. VCF-style: chr11-108301693-A-T. GRCh37 (hg19) VCF-style: chr11-108172420-A-T.
Other names: c.5223A>T, p.Leu1741Phe (NM_001351834.2); short protein forms L1741F.
Identifiers: ClinVar variation 825566 (VCV000825566.15), dbSNP rs1591708658, ClinGen allele CA382542321.

ClinVar aggregate classification (germline): Uncertain significance. Review status: criteria provided, multiple submitters, no conflicts (2 of 4 stars). 4 submissions from 4 submitters: Uncertain significance (4). Last evaluated 2025-05-19.

Conditions:
Familial cancer of breast. Also called: hereditary breast carcinoma; BREAST CANCER, FAMILIAL; Hereditary breast cancer. Identifiers: Orphanet 227535, MedGen C0346153, MONDO:0016419, OMIM 114480. Disease mechanism: loss of function.
Hereditary cancer-predisposing syndrome. Also called: Neoplastic Syndromes, Hereditary; Hereditary Cancer Syndrome; Hereditary neoplastic syndrome; Tumor predisposition. Identifiers: Orphanet 140162, MedGen C0027672, MeSH D009386, MONDO:0015356.
Ataxia-telangiectasia syndrome (AT). Also called: ATAXIA-TELANGIECTASIA, COMPLEMENTATION GROUP A; ATAXIA-TELANGIECTASIA, FRESNO VARIANT; Ataxia-telangiectasia, complementation group E; Ataxia telangiectasia (A-T); LOUIS-BAR SYNDROME; Cerebello-oculocutaneous telangiectasia. Identifiers: Orphanet 100, MedGen C0004135, MONDO:0008840, OMIM 208900.

Submissions (4):

Ambry Genetics
Classification: Uncertain significance for Hereditary cancer-predisposing syndrome. Last evaluated: 2025-05-19. Review status: criteria provided, single submitter. Criteria: Ambry Variant Classification Scheme 2023. Collection method: clinical testing. Allele origin: germline.
Comment: The p.L1741F variant (also known as c.5223A>T), located in coding exon 34 of the ATM gene, results from an A to T substitution at nucleotide position 5223. The leucine at codon 1741 is replaced by phenylalanine, an amino acid with highly similar properties. This amino acid position is highly conserved in available vertebrate species. In addition, the in silico prediction for this alteration is inconclusive. Since supporting evidence is limited at this time, the clinical significance of this alteration remains unclear.

Quest Diagnostics Nichols Institute San Juan Capistrano
Classification: Uncertain significance. Last evaluated: 2025-04-24. Review status: criteria provided, single submitter. Criteria: Quest Diagnostics criteria. Collection method: clinical testing. Allele origin: unknown.

Baylor Genetics
Classification: Uncertain significance for Familial cancer of breast. Last evaluated: 2023-08-03. Review status: criteria provided, single submitter. Criteria: ACMG Guidelines, 2015. Collection method: clinical testing. Allele origin: unknown.

Labcorp Genetics (formerly Invitae), Labcorp
Classification: Uncertain significance for Ataxia-telangiectasia syndrome. Last evaluated: 2022-08-29. Review status: criteria provided, single submitter. Criteria: Invitae Variant Classification Sherloc (09022015). Collection method: clinical testing. Allele origin: germline.
Comment: This variant is not present in population databases (gnomAD no frequency). This sequence change replaces leucine, which is neutral and non-polar, with phenylalanine, which is neutral and non-polar, at codon 1741 of the ATM protein (p.Leu1741Phe). In summary, the available evidence is currently insufficient to determine the role of this variant in disease. Therefore, it has been classified as a Variant of Uncertain Significance. Advanced modeling of protein sequence and biophysical properties (such as structural, functional, and spatial information, amino acid conservation, physicochemical variation, residue mobility, and thermodynamic stability) performed at Invitae indicates that this missense variant is not expected to disrupt ATM protein function. ClinVar contains an entry for this variant (Variation ID: 825566). This variant has not been reported in the literature in individuals affected with ATM-related conditions.